The following is an entry in ClinVar:

NM_000522.5(HOXA13):c.24C>A (p.His8Gln)

Genes: HOXA13 (homeobox A13; minus strand), LOC107126288 (NUP98-HOXA13 recombination region; plus strand). Cytogenetic location: 7p15.2.
Variant type: single nucleotide variant.
Coding change: c.24C>A on transcript NM_000522.5 (MANE Select); coding-DNA position 24, C replaced by A.
Protein change: p.His8Gln; replaces histidine 8 with glutamine.
Molecular consequence: missense variant.
Genome position (GRCh38, 1-based): chr7:27,200,054, G>T on the plus strand (C>A on the coding strand, the complement: HOXA13 is on the minus strand). VCF-style: chr7-27200054-G-T. GRCh37 (hg19) VCF-style: chr7-27239673-G-T.
Other names: short protein forms H8Q.
Identifiers: ClinVar variation 2111056 (VCV002111056.4), dbSNP rs935589016, ClinGen allele CA367076645.
Genomic context (GRCh38, chr7:27,200,054, plus strand): 5'-GGCCACCAGGCCGCCGCCGTTGTCGTAGAGAAACATGACGGTGGGCTCGATCCAGCGGGG[G>T]TGGAGGAGCACGGAGGCTGTCATAGCCCGAGCCGCATGGAGAAGACCCCAGTGGCGCTGT-3'
Protein context (NP_000513.2, residues 1-18): MTASVLL[His8Gln]PRWIEPTVMF

ClinVar aggregate classification (germline): Uncertain significance (1 of 4 stars; one submission).

Submission:

Labcorp Genetics (formerly Invitae), Labcorp
Classification: Uncertain significance. Last evaluated: 2022-04-03. Review status: criteria provided, single submitter. Criteria: Invitae Variant Classification Sherloc (09022015). Collection method: clinical testing. Allele origin: germline.
Comment: In summary, the available evidence is currently insufficient to determine the role of this variant in disease. Therefore, it has been classified as a Variant of Uncertain Significance. Algorithms developed to predict the effect of missense changes on protein structure and function are either unavailable or do not agree on the potential impact of this missense change (SIFT: "Deleterious"; PolyPhen-2: "Not Available"; Align-GVGD: "Class C0"). This variant has not been reported in the literature in individuals affected with HOXA13-related conditions. This variant is not present in population databases (gnomAD no frequency). This sequence change replaces histidine, which is basic and polar, with glutamine, which is neutral and polar, at codon 8 of the HOXA13 protein (p.His8Gln).